The following is an entry in ClinVar:

ClinVar aggregate classification (germline): Conflicting classifications of pathogenicity. Review status: criteria provided, conflicting classifications (1 of 4 stars). 3 submissions from 3 submitters: Uncertain significance (2); Likely benign (1). Last evaluated 2025-02-07.

Conditions:
Wilms tumor 1 (WT1). Also called: Wilms tumor, somatic. Identifiers: Orphanet 654, MedGen CN033288, MONDO:0008679, OMIM 194070.
Frasier syndrome. Identifiers: Orphanet 347, MedGen C0950122, MeSH D052159, MONDO:0007635, OMIM 136680.
Drash syndrome (DDS). Also called: WILMS TUMOR AND PSEUDO- OR TRUE HERMAPHRODITISM; NEPHROPATHY, WILMS TUMOR, AND GENITAL ANOMALIES. Identifiers: Orphanet 220, MedGen C0950121, MONDO:0008682, OMIM 194080.
11p partial monosomy syndrome (WAGR). Also called: WAGR syndrome; CHROMOSOME 11p13 DELETION SYNDROME; WAGR Complex; WAGR Spectrum Disorder. Identifiers: Orphanet 893, MedGen C0206115, MONDO:0008681, OMIM 194072.
Inborn genetic diseases. Identifiers: MedGen C0950123, MeSH D030342.

Submissions (3):

Ambry Genetics
Classification: Likely benign for Inborn genetic diseases. Last evaluated: 2025-02-07. Review status: criteria provided, single submitter. Criteria: Ambry Variant Classification Scheme 2023. Collection method: clinical testing. Allele origin: germline.

All of Us Research Program, National Institutes of Health
Classification: Uncertain significance for Wilms tumor 1. Last evaluated: 2023-07-10. Review status: criteria provided, single submitter. Criteria: ACMG Guidelines, 2015. Collection method: clinical testing. Allele origin: germline. Inheritance: Autosomal dominant inheritance. Observed: 1 variant allele, 1 heterozygote.
Comment: This missense variant replaces proline with leucine at codon 12 of the WT1 protein. Computational prediction suggests that this variant may not impact protein structure and function (internally defined REVEL score threshold <= 0.5, PMID: 27666373). To our knowledge, functional studies have not been reported for this variant. This variant has not been reported in individuals affected with WT1-related disorders in the literature. This variant has not been identified in the general population by the Genome Aggregation Database (gnomAD). The available evidence is insufficient to determine the role of this variant in disease conclusively. Therefore, this variant is classified as a Variant of Uncertain Significance.

This study involves interpretation of variants in research participants for the purpose of population health screening. Participant phenotype was not available at the time of variant classification. Additional details can be found in publication PMID: 35346344, PMCID: PMC8962531

Labcorp Genetics (formerly Invitae), Labcorp
Classification: Uncertain significance for Wilms tumor 1; Drash syndrome; 11p partial monosomy syndrome; Frasier syndrome. Last evaluated: 2022-02-24. Review status: criteria provided, single submitter. Criteria: Invitae Variant Classification Sherloc (09022015). Collection method: clinical testing. Allele origin: germline.
Comment: In summary, the available evidence is currently insufficient to determine the role of this variant in disease. Therefore, it has been classified as a Variant of Uncertain Significance. Algorithms developed to predict the effect of missense changes on protein structure and function are either unavailable or do not agree on the potential impact of this missense change (SIFT: "Deleterious"; PolyPhen-2: "Benign"; Align-GVGD: "Class C0"). ClinVar contains an entry for this variant (Variation ID: 860998). This variant has not been reported in the literature in individuals affected with WT1-related conditions. This variant is not present in population databases (gnomAD no frequency). This sequence change replaces proline, which is neutral and non-polar, with leucine, which is neutral and non-polar, at codon 12 of the WT1 protein (p.Pro12Leu).

NM_024426.6(WT1):c.50C>T (p.Pro17Leu)

Genes: WT1 (WT1 transcription factor; minus strand), LOC107982234 (WT1/WT1-AS bi-directional promoter region; plus strand). Cytogenetic location: 11p13.
Variant type: single nucleotide variant.
Coding change: c.50C>T on transcript NM_024426.6 (MANE Select); coding-DNA position 50, C replaced by T.
Protein change: p.Pro17Leu; replaces proline 17 with leucine.
Molecular consequence: missense variant. On other transcripts: non-coding transcript variant (1).
Genome position (GRCh38, 1-based): chr11:32,435,311, G>A on the plus strand (C>T on the coding strand, the complement: WT1 is on the minus strand). VCF-style: chr11-32435311-G-A. GRCh37 (hg19) VCF-style: chr11-32456857-G-A.
Other names: c.50C>T, p.Pro17Leu (NM_000378.6, NM_024424.5); short protein forms P17L.
Identifiers: ClinVar variation 860998 (VCV000860998.10), dbSNP rs1853481697, ClinGen allele CA379966490.